The following is an entry in ClinVar:

ClinVar aggregate classification (germline): Likely pathogenic (1 of 4 stars; one submission).

Conditions:
Autosomal recessive polycystic kidney disease (ARPKD). Also called: AR polycystic kidney disease. Identifiers: Orphanet 731, Orphanet 8378, MedGen C0085548, MeSH D017044, MONDO:0009889.

Submission:

Natera, Inc.
Classification: Likely pathogenic for Autosomal recessive polycystic kidney disease. Last evaluated: 2025-06-23. Review status: criteria provided, single submitter. Criteria: Natera Variant Classification Schema (03/2026). Collection method: clinical testing. Allele origin: germline.
Comment: The c.10534del variant in PKHD1 is a frameshift variant predicted to shift the reading frame beginning at codon 3512 and leads to a stop codon 16 codons downstream. This variant is expected to result in nonsense mediated decay, truncation, or a dysfunctional protein product. This variant is rare in the general population with a frequency below the threshold expected for the associated phenotype(s). Given the available evidence, this variant is classified as Likely Pathogenic.

NM_138694.4(PKHD1):c.10534del (p.Glu3512fs)

Gene: PKHD1 (PKHD1 ciliary IPT domain containing fibrocystin/polyductin; minus strand). Cytogenetic location: 6p12.3.
Variant type: Deletion.
Coding change: c.10534del on transcript NM_138694.4 (MANE Select); coding-DNA position 10534, one base deleted (G; older notation c.10534delG).
Protein change: p.Glu3512fs; shifts the reading frame from glutamic acid 3512.
Molecular consequence: frameshift variant.
Genome position (GRCh38, 1-based): chr6:51,659,592, C deleted on the plus strand (G on the coding strand, the reverse complement: PKHD1 is on the minus strand); the first of 4 consecutive C bases (chr6:51,659,592-51,659,595); deleting any one gives the same sequence. VCF-style (leftmost placement, unchanged base first): chr6-51659591-TC-T. GRCh37 (hg19) VCF-style: chr6-51524389-TC-T.
Other names: short protein forms E3512fs.
Identifiers: ClinVar variation 4816540 (VCV004816540.1).